The following is an entry in ClinVar:

NM_207037.2(TCF12):c.391-5871C>T

Gene: TCF12 (transcription factor 12; plus strand). Cytogenetic location: 15q21.3.
Variant type: single nucleotide variant.
Coding change: c.391-5871C>T on transcript NM_207037.2 (MANE Select); 5871 bases into the intron before coding-DNA position 391, C replaced by T.
Molecular consequence: intron variant.
Genome position (GRCh38, 1-based): chr15:57,186,287, C>T. VCF-style: chr15-57186287-C-T. GRCh37 (hg19) VCF-style: chr15-57478485-C-T.
Other names: c.391-5871C>T (NM_001322151.2, NM_001322159.3, NM_001322157.3 and 7 more transcripts); c.217-5871C>T (NM_001322156.2, NM_001322158.2); c.-262-5876C>T (NM_001322154.2); c.427-5871C>T (NM_001322164.2).
Identifiers: ClinVar variation 5039433 (VCV005039433.1).

ClinVar aggregate classification (germline): Likely benign (1 of 4 stars; one submission).

gnomAD v4.1: 49 of 152,226 alleles (0.032%); highest among the groups gnomAD compares: South Asian, 1%; no homozygotes.

Submission:

CeGaT Center for Human Genetics Tuebingen
Classification: Likely benign. Last evaluated: 2026-07-01. Review status: criteria provided, single submitter. Criteria: CeGaT Center For Human Genetics Tuebingen Variant Classification Criteria Version 2. Collection method: clinical testing. Allele origin: germline. Affected: yes. Observed: 1 variant allele.
Comment: TCF12: BS1